The following is an entry in ClinVar:

ClinVar aggregate classification (germline): Conflicting classifications of pathogenicity. Review status: criteria provided, conflicting classifications (1 of 4 stars). 2 submissions from 2 submitters: Uncertain significance (1); Benign (1). Last evaluated 2025-07-21.

Conditions:
Intellectual developmental disorder, autosomal dominant 6, with or without seizures. Also called: Intellectual disability, autosomal dominant 6; GRIN2B-related developmental delay, intellectual disability and autism spectrum disorder. Identifiers: Orphanet 589547, MedGen C3151411, MONDO:0013509, OMIM 613970.
Developmental and epileptic encephalopathy, 27 (DEE27). Also called: Epileptic encephalopathy, early infantile, 27; GRIN2B-Related Neurodevelopmental Disorder. Identifiers: Orphanet 3451, MedGen C4015316, MONDO:0014505, OMIM 616139.

Allele frequency attached by ClinVar (database versions not stated): gnomAD exomes 0.00001 and below 0.00001; ExAC 0.00001.
gnomAD v4.1: 7 of 1,614,206 alleles (0.00043%); highest among the groups gnomAD compares: South Asian, 0.0011%; no homozygotes.

Submissions (2):

Labcorp Genetics (formerly Invitae), Labcorp
Classification: Benign for Developmental and epileptic encephalopathy, 27; Intellectual developmental disorder, autosomal dominant 6, with or without seizures. Last evaluated: 2025-07-21. Review status: criteria provided, single submitter. Criteria: Invitae Variant Classification Sherloc (09022015). Collection method: clinical testing. Allele origin: germline.

GeneDx
Classification: Uncertain significance. Last evaluated: 2020-02-28. Review status: criteria provided, single submitter. Criteria: GeneDx Variant Classification Process June 2021. Collection method: clinical testing. Allele origin: germline. Affected: yes.
Comment: In silico analysis supports that this missense variant does not alter protein structure/function; Has not been previously published as pathogenic or benign to our knowledge

NM_000834.5(GRIN2B):c.2855C>T (p.Pro952Leu)

Gene: GRIN2B (glutamate ionotropic receptor NMDA type subunit 2B; minus strand). Cytogenetic location: 12p13.1.
Variant type: single nucleotide variant.
Coding change: c.2855C>T on transcript NM_000834.5 (MANE Select); coding-DNA position 2855, C replaced by T.
Protein change: p.Pro952Leu; replaces proline 952 with leucine.
Molecular consequence: missense variant.
Genome position (GRCh38, 1-based): chr12:13,564,383, G>A on the plus strand (C>T on the coding strand, the complement: GRIN2B is on the minus strand). VCF-style: chr12-13564383-G-A. GRCh37 (hg19) VCF-style: chr12-13717317-G-A.
Other names: short protein forms P952L.
Identifiers: ClinVar variation 968910 (VCV000968910.12), dbSNP rs747714077, ClinGen allele CA6460973.